The following is an entry in ClinVar:

ClinVar aggregate classification (germline): Uncertain significance. Review status: criteria provided, multiple submitters, no conflicts (2 of 4 stars). 3 submissions from 3 submitters: Uncertain significance (2). 1 of the submissions does not count toward it. Last evaluated 2022-08-01.

Conditions:
PCNT-related disorder. Also called: PCNT-related condition.

Allele frequency attached by ClinVar (database versions not stated): gnomAD 0.00003 and 0.00004; ExAC 0.00007; TOPMed 0.00008; gnomAD exomes 0.00012.
gnomAD v4.1: 150 of 1,614,090 alleles (0.0093%); highest among the groups gnomAD compares: Admixed American, 0.045%; no homozygotes.

Submissions (3):

Labcorp Genetics (formerly Invitae), Labcorp
Classification: Uncertain significance. Last evaluated: 2022-08-01. Review status: criteria provided, single submitter. Criteria: Invitae Variant Classification Sherloc (09022015). Collection method: clinical testing. Allele origin: germline.
Comment: This sequence change replaces valine, which is neutral and non-polar, with leucine, which is neutral and non-polar, at codon 655 of the PCNT protein (p.Val655Leu). This variant is present in population databases (rs756261885, gnomAD 0.06%). This variant has not been reported in the literature in individuals affected with PCNT-related conditions. ClinVar contains an entry for this variant (Variation ID: 449174). Algorithms developed to predict the effect of missense changes on protein structure and function (SIFT, PolyPhen-2, Align-GVGD) all suggest that this variant is likely to be tolerated. In summary, the available evidence is currently insufficient to determine the role of this variant in disease. Therefore, it has been classified as a Variant of Uncertain Significance.

GeneDx
Classification: Uncertain significance. Last evaluated: 2015-04-07. Review status: criteria provided, single submitter. Criteria: GeneDx Variant Classification (06012015). Collection method: clinical testing. Allele origin: germline. Affected: yes.
Comment: A variant of unknown significance has been identified in the PCNT gene. The V655L variant has not been published as a pathogenic variant, nor has it been reported as a benign polymorphism to our knowledge. It was not observed in approximately 6,500 individuals of European and African American ancestry in the NHLBI Exome Sequencing Project, indicating it is not a common benign variant in these populations. The V655L variant is a conservative amino acid substitution, which is not likely to impact secondary protein structure as these residues share similar properties. This substitution occurs at a position that is not conserved across species. In silico analysis predicts the V655L variant likely does not alter the protein structure/function. Based on the currently available information, it is unclear whether this variant is a pathogenic variant or a rare benign variant.

PreventionGenetics, part of Exact Sciences
Classification: Uncertain significance for PCNT-related condition. Last evaluated: 2024-05-14. Review status: no assertion criteria provided. Collection method: clinical testing. Allele origin: germline. Not counted in ClinVar's aggregate classification.
Comment: The PCNT c.1963G>T variant is predicted to result in the amino acid substitution p.Val655Leu. To our knowledge, this variant has not been reported in the literature. This variant is reported in 0.056% of alleles in individuals of Latino descent in gnomAD, which is more common than expected for a primary cause of disease. Although we suspect that this variant may be benign, at this time, the clinical significance of this variant is uncertain due to the absence of conclusive functional and genetic evidence.

NM_006031.6(PCNT):c.1963G>T (p.Val655Leu)

Gene: PCNT (pericentrin; plus strand). Cytogenetic location: 21q22.3.
Variant type: single nucleotide variant.
Coding change: c.1963G>T on transcript NM_006031.6 (MANE Select); coding-DNA position 1963, G replaced by T.
Protein change: p.Val655Leu; replaces valine 655 with leucine.
Molecular consequence: missense variant.
Genome position (GRCh38, 1-based): chr21:46,357,000, G>T. VCF-style: chr21-46357000-G-T. GRCh37 (hg19) VCF-style: chr21-47776915-G-T.
Other names: c.1609G>T, p.Val537Leu (NM_001315529.2); short protein forms V655L, V537L.
Identifiers: ClinVar variation 449174 (VCV000449174.8), dbSNP rs756261885, ClinGen allele CA10078842.
Genomic context (GRCh38, chr21:46,357,000, plus strand): 5'-GCCTGACTGTCTTCCCTGCTCCTTTTCCACACAGAGCTTCCCTGGGTGCATCTCCAGGGT[G>T]TGCAGGACGGGGACTTGGAGGCCGACACAGAGCGGGCAGCCAGAGTCTTGGGTCTGGAAA-3'
Protein context (NP_006022.3, residues 645-665): QELPWVHLQG[Val655Leu]QDGDLEADTE